The following is an entry in ClinVar:

ClinVar aggregate classification (germline): Likely benign. Review status: criteria provided, multiple submitters, no conflicts (2 of 4 stars). 2 submissions from 2 submitters: Likely benign (2). Last evaluated 2025-08-20.

Conditions:
Bethlem myopathy 1A. Also called: MYOPATHY, BENIGN CONGENITAL, WITH CONTRACTURES; Bethlem myopathy 1; Bethlem Muscular Dystrophy. Identifiers: Orphanet 610, MedGen CN029274, MONDO:0024530, OMIM 158810.

Allele frequency attached by ClinVar (database versions not stated): ExAC 0.00001; gnomAD 0.00001; TOPMed 0.00001.
gnomAD v4.1: 2 of 1,613,416 alleles (0.00012%); highest among the groups gnomAD compares: African/African-American, 0.0013%; no homozygotes.

Submissions (2):

Labcorp Genetics (formerly Invitae), Labcorp
Classification: Likely benign for Bethlem myopathy 1A. Last evaluated: 2025-08-20. Review status: criteria provided, single submitter. Criteria: Invitae Variant Classification Sherloc (09022015). Collection method: clinical testing. Allele origin: germline.

CeGaT Center for Human Genetics Tuebingen
Classification: Likely benign. Last evaluated: 2022-08-01. Review status: criteria provided, single submitter. Criteria: CeGaT Center For Human Genetics Tuebingen Variant Classification Criteria Version 2. Collection method: clinical testing. Allele origin: germline. Affected: yes. Observed: 1 variant allele.
Comment: COL6A3: BP4, BP7

NM_004369.4(COL6A3):c.8673C>A (p.Thr2891=)

Gene: COL6A3 (collagen type VI alpha 3 chain; minus strand). Cytogenetic location: 2q37.3.
Variant type: single nucleotide variant.
Coding change: c.8673C>A on transcript NM_004369.4 (MANE Select); coding-DNA position 8673, C replaced by A.
Protein change: p.Thr2891=; no amino-acid change (threonine 2891 retained).
Molecular consequence: synonymous variant.
Genome position (GRCh38, 1-based): chr2:237,336,427, G>T on the plus strand (C>A on the coding strand, the complement: COL6A3 is on the minus strand). VCF-style: chr2-237336427-G-T. GRCh37 (hg19) VCF-style: chr2-238245070-G-T.
Other names: c.6852C>A, p.Thr2284= (NM_057166.5); c.8055C>A, p.Thr2685= (NM_057167.4).
Identifiers: ClinVar variation 2652037 (VCV002652037.23), dbSNP rs113026406, ClinGen allele CA2187468.